The following is an entry in ClinVar:

ClinVar aggregate classification (germline): Uncertain significance (1 of 4 stars; one submission).

Submission:

Labcorp Genetics (formerly Invitae), Labcorp
Classification: Uncertain significance. Last evaluated: 2024-03-16. Review status: criteria provided, single submitter. Criteria: Invitae Variant Classification Sherloc (09022015). Collection method: clinical testing. Allele origin: germline.
Comment: This sequence change replaces proline, which is neutral and non-polar, with alanine, which is neutral and non-polar, at codon 184 of the TNFRSF6B protein (p.Pro184Ala). This variant is present in population databases (no rsID available, gnomAD 0.004%). This variant has not been reported in the literature in individuals affected with TNFRSF6B-related conditions. Algorithms developed to predict the effect of missense changes on protein structure and function output the following: SIFT: "Not Available"; PolyPhen-2: "Benign"; Align-GVGD: "Not Available". The alanine amino acid residue is found in multiple mammalian species, which suggests that this missense change does not adversely affect protein function. In summary, the available evidence is currently insufficient to determine the role of this variant in disease. Therefore, it has been classified as a Variant of Uncertain Significance.

NM_003823.4(TNFRSF6B):c.550C>G (p.Pro184Ala)

Genes: RTEL1-TNFRSF6B (RTEL1-TNFRSF6B readthrough (NMD candidate); plus strand), TNFRSF6B (TNF receptor superfamily member 6b; plus strand). Cytogenetic location: 20q13.33.
Variant type: single nucleotide variant.
Coding change: c.550C>G on transcript NM_003823.4 (MANE Select); coding-DNA position 550, C replaced by G.
Protein change: p.Pro184Ala; replaces proline 184 with alanine.
Molecular consequence: missense variant. On other transcripts: non-coding transcript variant (1).
Genome position (GRCh38, 1-based): chr20:63,697,453, C>G. VCF-style: chr20-63697453-C-G. GRCh37 (hg19) VCF-style: chr20-62328806-C-G.
Other names: short protein forms P184A.
Identifiers: ClinVar variation 3613383 (VCV003613383.2).